The following is an entry in ClinVar:

ClinVar aggregate classification (germline): Likely benign. Review status: criteria provided, multiple submitters, no conflicts (2 of 4 stars). 4 submissions from 4 submitters: Likely benign (4). Last evaluated 2025-07-15.

Conditions:
Developmental and epileptic encephalopathy, 31A. Also called: Epileptic encephalopathy, early infantile, 31; Developmental and epileptic encephalopathy, 31. Identifiers: Orphanet 2382, MedGen C4225357, MONDO:0014598, OMIM 616346.

Allele frequency attached by ClinVar (database versions not stated): gnomAD exomes below 0.00001; TOPMed 0.00001; gnomAD 0.00002 and 0.00003.
gnomAD v4.1: 7 of 1,613,732 alleles (0.00043%); highest among the groups gnomAD compares: Admixed American, 0.0033%; no homozygotes.

Submissions (4):

Women's Health and Genetics/Laboratory Corporation of America, LabCorp
Classification: Likely benign. Last evaluated: 2025-07-15. Review status: criteria provided, single submitter. Criteria: LabCorp Variant Classification Summary - May 2015. Collection method: clinical testing. Allele origin: germline.

Labcorp Genetics (formerly Invitae), Labcorp
Classification: Likely benign for Developmental and epileptic encephalopathy, 31A. Last evaluated: 2025-03-03. Review status: criteria provided, single submitter. Criteria: Invitae Variant Classification Sherloc (09022015). Collection method: clinical testing. Allele origin: germline.

Blueprint Genetics
Classification: Likely benign. Last evaluated: 2024-10-28. Review status: criteria provided, single submitter. Criteria: ACMG Guidelines, 2015. Collection method: clinical testing. Allele origin: germline.

GeneDx
Classification: Likely benign. Last evaluated: 2016-12-23. Review status: criteria provided, single submitter. Criteria: GeneDx Variant Classification (06012015). Collection method: clinical testing. Allele origin: germline. Affected: yes.
Comment: This variant is considered likely benign or benign based on one or more of the following criteria: it is a conservative change, it occurs at a poorly conserved position in the protein, it is predicted to be benign by multiple in silico algorithms, and/or has population frequency not consistent with disease.

NM_004408.4(DNM1):c.162-17C>T

Genes: DNM1 (dynamin 1; plus strand), LOC113839516 (Sharpr-MPRA regulatory region 8497; plus strand). Cytogenetic location: 9q34.11.
Variant type: single nucleotide variant.
Coding change: c.162-17C>T on transcript NM_004408.4 (MANE Select); 17 bases into the intron before coding-DNA position 162, C replaced by T.
Molecular consequence: intron variant.
Genome position (GRCh38, 1-based): chr9:128,218,214, C>T. VCF-style: chr9-128218214-C-T. GRCh37 (hg19) VCF-style: chr9-130980493-C-T.
Other names: c.162-17C>T (NM_001005336.3, NM_001288738.2, NM_001288737.2 and 1 more transcripts).
Identifiers: ClinVar variation 392023 (VCV000392023.11), dbSNP rs1057524327, ClinGen allele CA16605327.